The following is an entry in ClinVar:

NM_000440.3(PDE6A):c.1503C>T (p.Tyr501=)

Gene: PDE6A (phosphodiesterase 6A; minus strand). Cytogenetic location: 5q32.
Variant type: single nucleotide variant.
Coding change: c.1503C>T on transcript NM_000440.3 (MANE Select); coding-DNA position 1503, C replaced by T.
Protein change: p.Tyr501=; no amino-acid change (tyrosine 501 retained).
Molecular consequence: synonymous variant.
Genome position (GRCh38, 1-based): chr5:149,896,473, G>A on the plus strand (C>T on the coding strand, the complement: PDE6A is on the minus strand). VCF-style: chr5-149896473-G-A. GRCh37 (hg19) VCF-style: chr5-149276036-G-A.
Identifiers: ClinVar variation 1549875 (VCV001549875.25), dbSNP rs780997137, ClinGen allele CA3504650.
Genomic context (GRCh38, chr5:149,896,473, plus strand): 5'-ACATTTTACCAGCTCCAGTTCTGTTAGGGGTAAGTCACTGAAGTGAAATTTATTAATTTC[G>A]TATTTATCTGCATCTGGCAGCTCCGCTTGCTGTATAAGGAATAGAGTCAGGTGATTAGGA-3'
Protein context (NP_000431.2, residues 491-511): LQAELPDADK[Tyr501=]EINKFHFSDL

ClinVar aggregate classification (germline): Likely benign. Review status: criteria provided, multiple submitters, no conflicts (2 of 4 stars). 2 submissions from 2 submitters: Likely benign (2). Last evaluated 2024-07-01.

Allele frequency attached by ClinVar (database versions not stated): TOPMed 0.00001; gnomAD exomes 0.00002 and 0.00004; ExAC 0.00003; gnomAD 0.00003.
gnomAD v4.1: 29 of 1,613,794 alleles (0.0018%); highest among the groups gnomAD compares: South Asian, 0.013%; no homozygotes.

Submissions (2):

CeGaT Center for Human Genetics Tuebingen
Classification: Likely benign. Last evaluated: 2024-07-01. Review status: criteria provided, single submitter. Criteria: CeGaT Center For Human Genetics Tuebingen Variant Classification Criteria Version 2. Collection method: clinical testing. Allele origin: germline. Affected: yes. Observed: 1 variant allele.
Comment: PDE6A: BP4, BP7

Labcorp Genetics (formerly Invitae), Labcorp
Classification: Likely benign. Last evaluated: 2024-05-27. Review status: criteria provided, single submitter. Criteria: Invitae Variant Classification Sherloc (09022015). Collection method: clinical testing. Allele origin: germline.